The following is an entry in ClinVar:

NM_001393997.1(CCAR2):c.2074-8C>T

Gene: CCAR2 (cell cycle and apoptosis regulator 2; plus strand). Cytogenetic location: 8p21.3.
Variant type: single nucleotide variant.
Coding change: c.2074-8C>T on transcript NM_001393997.1 (MANE Select); 8 bases into the intron before coding-DNA position 2074, C replaced by T.
Molecular consequence: intron variant.
Genome position (GRCh38, 1-based): chr8:22,618,341, C>T. VCF-style: chr8-22618341-C-T. GRCh37 (hg19) VCF-style: chr8-22475854-C-T.
Other names: c.2071-8C>T (NM_001363069.2, NM_001363068.2); c.2074-8C>T (NM_021174.6).
Identifiers: ClinVar variation 719716 (VCV000719716.5), dbSNP rs73672800, ClinGen allele CA4671033.

ClinVar aggregate classification (germline): Benign. Review status: criteria provided, single submitter (1 of 4 stars). 2 submissions from 2 submitters: Benign (1). 1 of the submissions does not count toward it. Last evaluated 2018-02-08.

Conditions:
CCAR2-related disorder. Also called: CCAR2-related condition.

Allele frequency attached by ClinVar (database versions not stated): 1000 Genomes Project 0.00160; 1000 Genomes Project 30x 0.00187; ESP Exome Variant Server 0.00300; TOPMed 0.00374.
gnomAD v4.1: 1,156 of 1,614,182 alleles (0.072%); highest among the groups gnomAD compares: African/African-American, 1.2%; 5 homozygotes.

Submissions (2):

Labcorp Genetics (formerly Invitae), Labcorp
Classification: Benign. Last evaluated: 2018-02-08. Review status: criteria provided, single submitter. Criteria: Invitae Variant Classification Sherloc (09022015). Collection method: clinical testing. Allele origin: germline.

PreventionGenetics, part of Exact Sciences
Classification: Benign for CCAR2-related condition. Last evaluated: 2019-02-20. Review status: no assertion criteria provided. Collection method: clinical testing. Allele origin: germline. Not counted in ClinVar's aggregate classification.
Comment: This variant is classified as benign based on ACMG/AMP sequence variant interpretation guidelines (Richards et al. 2015 PMID: 25741868, with internal and published modifications).